The following is an entry in ClinVar:

NM_018706.7(DHTKD1):c.1159+4C>T

Gene: DHTKD1 (dehydrogenase E1 and transketolase domain containing 1; plus strand). Cytogenetic location: 10p14.
Variant type: single nucleotide variant.
Coding change: c.1159+4C>T on transcript NM_018706.7 (MANE Select); 4 bases into the intron after coding-DNA position 1159, C replaced by T.
Molecular consequence: intron variant.
Genome position (GRCh38, 1-based): chr10:12,091,688, C>T. VCF-style: chr10-12091688-C-T. GRCh37 (hg19) VCF-style: chr10-12133687-C-T.
Identifiers: ClinVar variation 966510 (VCV000966510.8), dbSNP rs376431681, ClinGen allele CA5407760.

ClinVar aggregate classification (germline): Uncertain significance (1 of 4 stars; one submission).

Conditions:
2-aminoadipic 2-oxoadipic aciduria (AAKAD). Also called: Aminoadipic aciduria; ALPHA-AMINOADIPIC AND ALPHA-KETOADIPIC ACIDURIA. Identifiers: Orphanet 79154, MedGen C1859817, MONDO:0008774, OMIM 204750.

Allele frequency attached by ClinVar (database versions not stated): TOPMed below 0.00001; gnomAD 0.00001; ExAC 0.00005; ESP Exome Variant Server 0.00008.

Submission:

Labcorp Genetics (formerly Invitae), Labcorp
Classification: Uncertain significance for 2-aminoadipic 2-oxoadipic aciduria. Last evaluated: 2025-07-07. Review status: criteria provided, single submitter. Criteria: Invitae Variant Classification Sherloc (09022015). Collection method: clinical testing. Allele origin: germline.
Comment: This sequence change falls in intron 6 of the DHTKD1 gene. It does not directly change the encoded amino acid sequence of the DHTKD1 protein. It affects a nucleotide within the consensus splice site. This variant is present in population databases (rs376431681, gnomAD 0.007%). This variant has not been reported in the literature in individuals affected with DHTKD1-related conditions. ClinVar contains an entry for this variant (Variation ID: 966510). Variants that disrupt the consensus splice site are a relatively common cause of aberrant splicing (PMID: 17576681, 9536098). Algorithms developed to predict the effect of sequence changes on RNA splicing suggest that this variant is not likely to affect RNA splicing. In summary, the available evidence is currently insufficient to determine the role of this variant in disease. Therefore, it has been classified as a Variant of Uncertain Significance.

Literature cited by the submitters: PubMed 17576681; PubMed 9536098.